The following is an entry in ClinVar:

NM_020738.4(KIDINS220):c.4295del (p.Glu1432fs)

Gene: KIDINS220 (kinase D interacting substrate 220; minus strand). Cytogenetic location: 2p25.1.
Variant type: Deletion.
Coding change: c.4295del on transcript NM_020738.4 (MANE Select); coding-DNA position 4295, one base deleted (A; older notation c.4295delA).
Protein change: p.Glu1432fs; shifts the reading frame from glutamic acid 1432.
Molecular consequence: frameshift variant. On other transcripts: intron variant (6).
Genome position (GRCh38, 1-based): chr2:8,731,741, T deleted on the plus strand (A on the coding strand, the reverse complement: KIDINS220 is on the minus strand). VCF-style (leftmost placement, unchanged base first): chr2-8731740-CT-C. GRCh37 (hg19) VCF-style: chr2-8871870-CT-C.
Other names: c.4298del, p.Glu1433fs (NM_001348729.2); c.4241del, p.Glu1414fs (NM_001348731.2); c.4238del, p.Glu1413fs (NM_001348732.2); c.4127del, p.Glu1376fs (NM_001348734.2); c.4124del, p.Glu1375fs (NM_001348735.2); c.3998del, p.Glu1333fs (NM_001348736.2); c.3882+1703del (NM_001348741.2, NM_001348742.2, NM_001348743.2); c.3996+1703del (NM_001348738.2); and 1 more; short protein forms E1376fs, E1413fs, E1333fs, E1375fs, E1414fs, E1432fs, E1433fs.
Identifiers: ClinVar variation 3533678 (VCV003533678.1).

ClinVar aggregate classification (germline): Likely pathogenic (1 of 4 stars; one submission).

Conditions:
Inborn genetic diseases. Identifiers: MedGen C0950123, MeSH D030342.

Submission:

Ambry Genetics
Classification: Likely pathogenic for Inborn genetic diseases. Last evaluated: 2024-07-08. Review status: criteria provided, single submitter. Criteria: Ambry Variant Classification Scheme 2023. Collection method: clinical testing. Allele origin: germline.
Comment: The c.4295delA (p.E1432Gfs*20) alteration, located in exon 30 (coding exon 29) of the KIDINS220 gene, consists of a deletion of one nucleotide at position 4295, causing a translational frameshift with a predicted alternate stop codon after 20 amino acids. This alteration occurs at the 3' terminus of the KIDINS220 gene, is not expected to trigger nonsense-mediated mRNA decay, and impacts the last 19.2% of the protein. for autosomal dominant spastic paraplegia, intellectual disability, nystagmus, and obesity syndrome; however, it is unlikely to be causative of autosomal recessive KIDINS220-related ventriculomegaly and arthrogryposis. This variant was not reported in population-based cohorts in the Genome Aggregation Database (gnomAD). Based on the available evidence, this alteration is classified as likely pathogenic.